The following is an entry in ClinVar:

ClinVar aggregate classification (germline): Pathogenic. Review status: criteria provided, multiple submitters, no conflicts (2 of 4 stars). 7 submissions from 7 submitters: Pathogenic (7). Last evaluated 2026-01-21.

Conditions:
Lynch syndrome 4 (LYNCH4). Also called: Hereditary non-polyposis colorectal cancer, type 4; Colorectal cancer, hereditary nonpolyposis, type 4. Identifiers: Orphanet 144, MedGen C1838333, MONDO:0013699, OMIM 614337. Disease mechanism: loss of function.
Hereditary cancer-predisposing syndrome. Also called: Tumor predisposition; Hereditary neoplastic syndrome; Neoplastic Syndromes, Hereditary; Hereditary Cancer Syndrome. Identifiers: Orphanet 140162, MedGen C0027672, MeSH D009386, MONDO:0015356.
Hereditary nonpolyposis colorectal neoplasms. Identifiers: MedGen C0009405, MeSH D003123.
Lynch syndrome. Identifiers: Orphanet 144, MedGen C4552100, MONDO:0005835. Disease mechanism: loss of function.

Submissions (7):

Labcorp Genetics (formerly Invitae), Labcorp
Classification: Pathogenic for Hereditary nonpolyposis colorectal neoplasms. Last evaluated: 2026-01-21. Review status: criteria provided, single submitter. Criteria: Invitae Variant Classification Sherloc (09022015). Collection method: clinical testing. Allele origin: germline.
Comment: This sequence change creates a premature translational stop signal (p.Leu426Serfs*30) in the PMS2 gene. It is expected to result in an absent or disrupted protein product. Loss-of-function variants in PMS2 are known to be pathogenic (PMID: 21376568, 24362816). This variant is not present in population databases (gnomAD no frequency). This variant has not been reported in the literature in individuals affected with PMS2-related conditions. ClinVar contains an entry for this variant (Variation ID: 505722). For these reasons, this variant has been classified as Pathogenic.

GeneDx
Classification: Pathogenic. Last evaluated: 2025-06-24. Review status: criteria provided, single submitter. Criteria: GeneDx Variant Classification Process June 2021. Collection method: clinical testing. Allele origin: germline.
Comment: Frameshift variant predicted to result in protein truncation or nonsense mediated decay in a gene for which loss of function is a known mechanism of disease; Not observed at significant frequency in large population cohorts (gnomAD); Truncating variants in this gene are considered pathogenic by a well-established clinical consortium and/or database; Has not been previously published as pathogenic or benign to our knowledge; This variant is associated with the following publications: (PMID: 31447099)

Ambry Genetics
Classification: Pathogenic for Hereditary cancer-predisposing syndrome. Last evaluated: 2024-10-16. Review status: criteria provided, single submitter. Criteria: Ambry Variant Classification Scheme 2023. Collection method: clinical testing. Allele origin: germline.
Comment: The c.1275_1279delTCTTC pathogenic mutation, located in coding exon 11 of the PMS2 gene, results from a deletion of 5 nucleotides at nucleotide positions 1275 to 1279, causing a translational frameshift with a predicted alternate stop codon (p.L426Sfs*30). This variant is considered to be rare based on population cohorts in the Genome Aggregation Database (gnomAD). This alteration is expected to result in loss of function by premature protein truncation or nonsense-mediated mRNA decay. As such, this alteration is interpreted as a disease-causing mutation.

Quest Diagnostics Nichols Institute San Juan Capistrano
Classification: Pathogenic. Last evaluated: 2024-09-10. Review status: criteria provided, single submitter. Criteria: Quest Diagnostics criteria. Collection method: clinical testing. Allele origin: unknown.
Comment: The PMS2 c.1275_1279del (p.Leu426Serfs*30) variant alters the translational reading frame of the PMS2 mRNA and causes the premature termination of PMS2 protein synthesis. This variant has not been reported in individuals with PMS2-related conditions in the published literature. This variant has not been reported in large, multi-ethnic general populations (Genome Aggregation Database). Based on the available information, this variant is classified as pathogenic.

Myriad Genetics, Inc.
Classification: Pathogenic for Lynch syndrome 4. Last evaluated: 2023-09-20. Review status: criteria provided, single submitter. Criteria: Myriad Autosomal Dominant, Autosomal Recessive and X-Linked Classification Criteria (2023). Collection method: clinical testing. Allele origin: unknown.
Comment: This variant is considered pathogenic. This variant creates a frameshift predicted to result in premature protein truncation.

All of Us Research Program, National Institutes of Health
Classification: Pathogenic for Lynch syndrome. Last evaluated: 2023-08-15. Review status: criteria provided, single submitter. Criteria: ACMG Guidelines, 2015. Collection method: clinical testing. Allele origin: germline. Inheritance: Autosomal dominant inheritance. Observed: 1 variant allele, 1 heterozygote.
Comment: This variant deletes 5 nucleotides in exon 11 of the PMS2 gene, creating a frameshift and premature translation stop signal. This variant is expected to result in an absent or non-functional protein product. To our knowledge, this variant has not been reported in individuals affected with PMS2-related disorders in the literature. This variant has not been identified in the general population by the Genome Aggregation Database (gnomAD). Loss of PMS2 function is a known mechanism of disease. Based on the available evidence, this variant is classified as Pathogenic.

This study involves interpretation of variants in research participants for the purpose of population health screening. Participant phenotype was not available at the time of variant classification. Additional details can be found in publication PMID: 35346344, PMCID: PMC8962531

Laboratory for Molecular Medicine, Mass General Brigham Personalized Medicine
Classification: Pathogenic for Lynch syndrome. Last evaluated: 2017-06-12. Review status: criteria provided, single submitter. Criteria: LMM Criteria. Collection method: clinical testing. Allele origin: germline. Inheritance: Autosomal dominant inheritance. Observed: 1 variant allele.
Comment: The p.Leu426fs variant in PMS2 has not been previously reported in individuals w ith Lynch syndrome or in large population studies. This variant is predicted to cause a frameshift, which alters the protein?s amino acid sequence beginning at position 426 and leads to a premature termination codon 30 amino acids downstrea m. This alteration is then predicted to lead to a truncated or absent protein. H eterozygous loss of function of function of the PMS2 gene is an established dise ase mechanism in Lynch syndrome. In summary, this variant meets criteria to be c lassified as pathogenic for Lynch syndrome in an autosomal dominant manner based upon the predicted impact to the protein and absence in controls.

Literature cited by the submitters: PubMed 21376568 (cited by Labcorp Genetics (formerly Invitae), Labcorp); PubMed 24362816 (cited by Labcorp Genetics (formerly Invitae), Labcorp); PubMed 31447099 (cited by Quest Diagnostics Nichols Institute San Juan Capistrano).

NM_000535.7(PMS2):c.1275_1279del (p.Leu426fs)

Gene: PMS2 (PMS1 homolog 2, mismatch repair system component; minus strand). Cytogenetic location: 7p22.1.
Variant type: Deletion.
Coding change: c.1275_1279del on transcript NM_000535.7 (MANE Select); coding-DNA positions 1275 to 1279, 5 bases deleted (TCTTC; older notation c.1275_1279delTCTTC).
Protein change: p.Leu426fs; shifts the reading frame from leucine 426.
Molecular consequence: frameshift variant. On other transcripts: non-coding transcript variant (1).
Genome position (GRCh38, 1-based): chr7:5,987,486-5,987,490, GAAGA deleted on the plus strand (TCTTC on the coding strand, the reverse complement: PMS2 is on the minus strand); deleting any 5 consecutive bases within chr7:5,987,486-5,987,493 gives the same sequence; the c. name uses the placement nearest the transcript's 3' end. VCF-style (leftmost placement, unchanged base first): chr7-5987485-CGAAGA-C. GRCh37 (hg19) VCF-style: chr7-6027116-CGAAGA-C.
Other names: c.1275_1279del (NM_000535.5); c.1275_1279delTCTTC (NM_000535.5); c.870_874del, p.Leu291fs (NM_001322003.2, NM_001322004.2, NM_001322005.2 and 1 more transcripts); c.1119_1123del, p.Leu374fs (NM_001322006.2); c.957_961del, p.Leu320fs (NM_001322007.2, NM_001322008.2); c.714_718del, p.Leu239fs (NM_001322010.2); c.342_346del, p.Leu115fs (NM_001322011.2, NM_001322012.2); c.702_706del, p.Leu235fs (NM_001322013.2); and 2 more; short protein forms L323fs, L426fs, L291fs, L320fs, L115fs, L374fs, L235fs, L239fs.
Identifiers: ClinVar variation 505722 (VCV000505722.20), dbSNP rs1554297962, ClinGen allele CA658796893.
Genomic context (GRCh38, chr7:5,987,485, plus strand): 5'-AGAGGGCTCCTTCTTGGTTCTGGAGTCTTTGGGCTGTGAGGCTTGTTCTCTGTTGTGTGA[CGAAGA>C]GAAAAGGCCTCTCGCAGTCTGGAAATGGACACGTCTTTTTTTTCTTCTCCAGTCCTTAAT-3'